The following is an entry in ClinVar:

NM_003482.4(KMT2D):c.9265del (p.Val3089fs)

Gene: KMT2D (lysine methyltransferase 2D; minus strand). Cytogenetic location: 12q13.12.
Variant type: Deletion.
Coding change: c.9265del on transcript NM_003482.4 (MANE Select); coding-DNA position 9265, one base deleted (G; older notation c.9265delG).
Protein change: p.Val3089fs; shifts the reading frame from valine 3089.
Molecular consequence: frameshift variant.
Genome position (GRCh38, 1-based): chr12:49,038,091, C deleted on the plus strand (G on the coding strand, the reverse complement: KMT2D is on the minus strand); the first of 6 consecutive C bases (chr12:49,038,091-49,038,096); deleting any one gives the same sequence. VCF-style (leftmost placement, unchanged base first): chr12-49038090-AC-A. GRCh37 (hg19) VCF-style: chr12-49431873-AC-A.
Other names: c.9265delG (NM_003482.3); short protein forms V3089fs.
Identifiers: ClinVar variation 2635344 (VCV002635344.1), dbSNP rs1333678798, ClinGen allele CA645579650.

ClinVar aggregate classification (germline): Pathogenic (1 of 4 stars; one submission).

Conditions:
KMT2D-related disorder. Also called: KMT2D-Related Disorders.

Submission:

PreventionGenetics, part of Exact Sciences
Classification: Pathogenic for KMT2D-related condition. Last evaluated: 2022-10-27. Review status: criteria provided, single submitter. Criteria: ACMG Guidelines, 2015. Collection method: clinical testing. Allele origin: germline.
Comment: The KMT2D c.9265delG variant is predicted to result in a frameshift and premature protein termination (p.Val3089Trpfs*30). To our knowledge, this variant has not been reported in the literature or in a large population database, indicating this variant is rare. Frameshift variants in KMT2D are expected to be pathogenic. This variant is interpreted as pathogenic.